The following is an entry in ClinVar:

ClinVar aggregate classification (germline): Pathogenic (1 of 4 stars; one submission).

Conditions:
Chondrodysplasia punctata, brachytelephalangic, autosomal. Also called: BRACHYTELEPHALANGIC CHONDRODYSPLASIA PUNCTATA. Identifiers: MedGen C1844853, MONDO:0011238, OMIM 602497.

Submission:

Labcorp Genetics (formerly Invitae), Labcorp
Classification: Pathogenic for Chondrodysplasia punctata, brachytelephalangic, autosomal. Last evaluated: 2022-03-28. Review status: criteria provided, single submitter. Criteria: Invitae Variant Classification Sherloc (09022015). Collection method: clinical testing. Allele origin: germline.
Comment: This variant is present in population databases (no rsID available, gnomAD 0.01%). For these reasons, this variant has been classified as Pathogenic. This variant disrupts a region of the ARSE protein in which other variant(s) (p.Trp581*) have been determined to be pathogenic (PMID: 9863597, 12567415). This suggests that this is a clinically significant region of the protein, and that variants that disrupt it are likely to be disease-causing. This premature translational stop signal has been observed in individual(s) with chondrodysplasia punctata (PMID: 12567415). This sequence change creates a premature translational stop signal (p.Arg540*) in the ARSE gene. While this is not anticipated to result in nonsense mediated decay, it is expected to disrupt the last 50 amino acid(s) of the ARSE protein.

Literature cited by the submitters: PubMed 9863597; PubMed 12567415.

NM_000047.3(ARSL):c.1618C>T (p.Arg540Ter)

Gene: ARSL (arylsulfatase L; minus strand). Cytogenetic location: Xp22.33.
Variant type: single nucleotide variant.
Coding change: c.1618C>T on transcript NM_000047.3 (MANE Select); coding-DNA position 1618, C replaced by T.
Protein change: p.Arg540Ter; replaces arginine 540 with a stop codon.
Molecular consequence: nonsense.
Genome position (GRCh38, 1-based): chrX:2,934,984, G>A on the plus strand (C>T on the coding strand, the complement: ARSL is on the minus strand). VCF-style: chrX-2934984-G-A. GRCh37 (hg19) VCF-style: chrX-2853025-G-A.
Other names: c.1693C>T, p.Arg565Ter (NM_001282628.2, NM_001369080.1); c.1456C>T, p.Arg486Ter (NM_001282631.2); c.1645C>T, p.Arg549Ter (NM_001369079.1); short protein forms R540*, R549*, R565*, R486*.
Identifiers: ClinVar variation 2138468 (VCV002138468.4), dbSNP rs1335931206, ClinGen allele CA412275358.
Genomic context (GRCh38, chrX:2,934,984, plus strand): 5'-CCAGCTGCAGAGGAACTGGGCTGAGTGTCCGCTGGTGTTCCCACACCGCCTGCTGGACTC[G>A]TTCCATCACCTGATAGAACACGGGCTCTGAGGCTGGTGTGAGGATGTGGGTCTCAGAAGG-3'